The following is an entry in ClinVar:

ClinVar aggregate classification (germline): Pathogenic (1 of 4 stars; one submission).

Conditions:
Tuberous sclerosis 2 (TSC2). Identifiers: Orphanet 805, MedGen C1860707, MONDO:0013199, OMIM 613254.

Submission:

Labcorp Genetics (formerly Invitae), Labcorp
Classification: Pathogenic for Tuberous sclerosis 2. Last evaluated: 2022-09-07. Review status: criteria provided, single submitter. Criteria: Invitae Variant Classification Sherloc (09022015). Collection method: clinical testing. Allele origin: germline.
Comment: This variant is a gross deletion of the genomic region encompassing exon(s) 1-30 of the TSC2 gene, which includes the initiator codon. This deletion extends beyond the assayed region for this gene and therefore may encompass additional genes. It is expected to result in an absent or disrupted protein product. Loss-of-function variants in TSC2 are known to be pathogenic (PMID: 10205261, 17304050). A similar copy number variant has been observed in individual(s) with clinical features of tuberous sclerosis complex (PMID: 32917966). For these reasons, this variant has been classified as Pathogenic.

Literature cited by the submitters: PubMed 10205261; PubMed 17304050; PubMed 32917966.

NC_000016.9:g.(?_2093558)_(2130388_?)del

Genes: NTHL1 (nth like DNA glycosylase 1; minus strand), TSC2 (TSC complex subunit 2; plus strand). Cytogenetic location: 16p13.3.
Variant type: Deletion.
Identifiers: ClinVar variation 2423312 (VCV002423312.3).